The following is an entry in ClinVar:

NM_032444.4(SLX4):c.676C>T (p.His226Tyr)

Gene: SLX4 (SLX4 structure-specific endonuclease subunit; minus strand). Cytogenetic location: 16p13.3.
Variant type: single nucleotide variant.
Coding change: c.676C>T on transcript NM_032444.4 (MANE Select); coding-DNA position 676, C replaced by T.
Protein change: p.His226Tyr; replaces histidine 226 with tyrosine.
Molecular consequence: missense variant.
Genome position (GRCh38, 1-based): chr16:3,606,558, G>A on the plus strand (C>T on the coding strand, the complement: SLX4 is on the minus strand). VCF-style: chr16-3606558-G-A. GRCh37 (hg19) VCF-style: chr16-3656559-G-A.
Other names: short protein forms H226Y.
Identifiers: ClinVar variation 1379350 (VCV001379350.6), dbSNP rs761229867, ClinGen allele CA276970099.

ClinVar aggregate classification (germline): Uncertain significance (1 of 4 stars; one submission).

Conditions:
Fanconi anemia (FA). Also called: Fanconi's anemia. Identifiers: Orphanet 84, MedGen C0015625, MeSH D005199, MONDO:0019391.

Submission:

Labcorp Genetics (formerly Invitae), Labcorp
Classification: Uncertain significance for Fanconi anemia. Last evaluated: 2022-11-22. Review status: criteria provided, single submitter. Criteria: Invitae Variant Classification Sherloc (09022015). Collection method: clinical testing. Allele origin: germline.
Comment: Algorithms developed to predict the effect of missense changes on protein structure and function are either unavailable or do not agree on the potential impact of this missense change (SIFT: "Tolerated"; PolyPhen-2: "Probably Damaging"; Align-GVGD: "Class C0"). ClinVar contains an entry for this variant (Variation ID: 1379350). This variant has not been reported in the literature in individuals affected with SLX4-related conditions. This variant is not present in population databases (gnomAD no frequency). This sequence change replaces histidine, which is basic and polar, with tyrosine, which is neutral and polar, at codon 226 of the SLX4 protein (p.His226Tyr). In summary, the available evidence is currently insufficient to determine the role of this variant in disease. Therefore, it has been classified as a Variant of Uncertain Significance.